The following is an entry in ClinVar:

NM_206933.4(USH2A):c.13572A>C (p.Lys4524Asn)

Gene: USH2A (usherin; minus strand). Cytogenetic location: 1q41.
Variant type: single nucleotide variant.
Coding change: c.13572A>C on transcript NM_206933.4 (MANE Select); coding-DNA position 13572, A replaced by C.
Protein change: p.Lys4524Asn; replaces lysine 4524 with asparagine.
Molecular consequence: missense variant.
Genome position (GRCh38, 1-based): chr1:215,674,339, T>G on the plus strand (A>C on the coding strand, the complement: USH2A is on the minus strand). VCF-style: chr1-215674339-T-G. GRCh37 (hg19) VCF-style: chr1-215847681-T-G.
Other names: short protein forms K4524N.
Identifiers: ClinVar variation 1925628 (VCV001925628.2), dbSNP rs1209690333, ClinGen allele CA344844548.

ClinVar aggregate classification (germline): Uncertain significance (1 of 4 stars; one submission).

Allele frequency attached by ClinVar (database versions not stated): gnomAD exomes below 0.00001; TOPMed below 0.00001.
gnomAD v4.1: 4 of 1,613,894 alleles (0.00025%); highest among the groups gnomAD compares: Non-Finnish European, 0.00034%; no homozygotes.

Submission:

Labcorp Genetics (formerly Invitae), Labcorp
Classification: Uncertain significance. Last evaluated: 2021-08-28. Review status: criteria provided, single submitter. Criteria: Invitae Variant Classification Sherloc (09022015). Collection method: clinical testing. Allele origin: germline.
Comment: This sequence change replaces lysine with asparagine at codon 4524 of the USH2A protein (p.Lys4524Asn). The lysine residue is highly conserved and there is a moderate physicochemical difference between lysine and asparagine. This variant is not present in population databases (ExAC no frequency). This variant has not been reported in the literature in individuals affected with USH2A-related conditions. Algorithms developed to predict the effect of missense changes on protein structure and function are either unavailable or do not agree on the potential impact of this missense change (SIFT: "Deleterious"; PolyPhen-2: "Benign"; Align-GVGD: "Class C0"). In summary, the available evidence is currently insufficient to determine the role of this variant in disease. Therefore, it has been classified as a Variant of Uncertain Significance.